The following is an entry in ClinVar:

ClinVar aggregate classification (germline): Uncertain significance (1 of 4 stars; one submission).

Allele frequency attached by ClinVar (database versions not stated): ExAC 0.00001; gnomAD exomes 0.00002; TOPMed 0.00002; gnomAD 0.00003.
gnomAD v4.1: 36 of 1,611,370 alleles (0.0022%); highest among the groups gnomAD compares: Middle Eastern, 0.3%; no homozygotes.

Submission:

Labcorp Genetics (formerly Invitae), Labcorp
Classification: Uncertain significance. Last evaluated: 2022-08-31. Review status: criteria provided, single submitter. Criteria: Invitae Variant Classification Sherloc (09022015). Collection method: clinical testing. Allele origin: germline.
Comment: This sequence change replaces aspartic acid, which is acidic and polar, with glutamic acid, which is acidic and polar, at codon 190 of the ATRN protein (p.Asp190Glu). This variant is present in population databases (rs780643690, gnomAD 0.02%). This variant has not been reported in the literature in individuals affected with ATRN-related conditions. Algorithms developed to predict the effect of missense changes on protein structure and function are either unavailable or do not agree on the potential impact of this missense change (SIFT: "Deleterious"; PolyPhen-2: "Probably Damaging"; Align-GVGD: "Class C0"). In summary, the available evidence is currently insufficient to determine the role of this variant in disease. Therefore, it has been classified as a Variant of Uncertain Significance.

NM_139321.3(ATRN):c.570T>G (p.Asp190Glu)

Gene: ATRN (attractin; plus strand). Cytogenetic location: 20p13.
Variant type: single nucleotide variant.
Coding change: c.570T>G on transcript NM_139321.3 (MANE Select); coding-DNA position 570, T replaced by G.
Protein change: p.Asp190Glu; replaces aspartic acid 190 with glutamic acid.
Molecular consequence: missense variant.
Genome position (GRCh38, 1-based): chr20:3,540,297, T>G. VCF-style: chr20-3540297-T-G. GRCh37 (hg19) VCF-style: chr20-3520944-T-G.
Other names: c.222T>G, p.Asp74Glu (NM_001207047.3); c.570T>G, p.Asp190Glu (NM_001323332.2, NM_139322.4); short protein forms D190E, D74E.
Identifiers: ClinVar variation 2187259 (VCV002187259.4), dbSNP rs780643690, ClinGen allele CA9743828.